The following is an entry in ClinVar:

ClinVar aggregate classification (germline): Uncertain significance (1 of 4 stars; one submission).

Submission:

GeneDx
Classification: Uncertain significance. Last evaluated: 2025-02-12. Review status: criteria provided, single submitter. Criteria: GeneDx Variant Classification Process June 2021. Collection method: clinical testing. Allele origin: germline. Affected: yes.
Comment: Not observed at significant frequency in large population cohorts (gnomAD); In silico analysis indicates that this missense variant does not alter protein structure/function; Has not been previously published as pathogenic or benign to our knowledge

NM_006012.4(CLPP):c.76G>T (p.Ala26Ser)

Gene: CLPP (caseinolytic mitochondrial matrix peptidase proteolytic subunit; plus strand). Cytogenetic location: 19p13.3.
Variant type: single nucleotide variant.
Coding change: c.76G>T on transcript NM_006012.4 (MANE Select); coding-DNA position 76, G replaced by T.
Protein change: p.Ala26Ser; replaces alanine 26 with serine.
Molecular consequence: missense variant.
Genome position (GRCh38, 1-based): chr19:6,361,650, G>T. VCF-style: chr19-6361650-G-T. GRCh37 (hg19) VCF-style: chr19-6361661-G-T.
Other names: short protein forms A26S.
Identifiers: ClinVar variation 4075569 (VCV004075569.1).
Genomic context (GRCh38, chr19:6,361,650, plus strand): 5'-TTGGTAGGGGGGGCCCGGGTGGCGTCATGCAGGTACCCCGCGCTGGGGCCTCGCCTCGCC[G>T]CTCACTTTCCAGCGCAGCGGCCGCCGCAGCGGACACTCCAGAACGGCCTGGCCCTGCAGC-3'
Protein context (NP_006003.1, residues 16-36): RYPALGPRLA[Ala26Ser]HFPAQRPPQR